The following is an entry in ClinVar:

NM_015896.4(ZMYND10):c.551C>T (p.Ala184Val)

Gene: ZMYND10 (zinc finger MYND-type containing 10; minus strand). Cytogenetic location: 3p21.31.
Variant type: single nucleotide variant.
Coding change: c.551C>T on transcript NM_015896.4 (MANE Select); coding-DNA position 551, C replaced by T.
Protein change: p.Ala184Val; replaces alanine 184 with valine.
Molecular consequence: missense variant.
Genome position (GRCh38, 1-based): chr3:50,343,166, G>A on the plus strand (C>T on the coding strand, the complement: ZMYND10 is on the minus strand). VCF-style: chr3-50343166-G-A. GRCh37 (hg19) VCF-style: chr3-50380597-G-A.
Other names: c.551C>T, p.Ala184Val (NM_001308379.2); short protein forms A184V.
Identifiers: ClinVar variation 646133 (VCV000646133.6), dbSNP rs1182616344, ClinGen allele CA352942190.
Genomic context (GRCh38, chr3:50,343,166, plus strand): 5'-CGGACTGCTCACCTGTCCACACAGTCTGTGATGTAGCGTAGTACTGAGAGGGCCTTCAGT[G>A]CAATCTCAAATTCCATCAGCTCTGCCTGCTTCTGCAGCTCCTGGGAGGTCACACAGTGTT-3'
Protein context (NP_056980.2, residues 174-194): KQAELMEFEI[Ala184Val]LKALSVLRYI

ClinVar aggregate classification (germline): Uncertain significance (1 of 4 stars; one submission).

Conditions:
Primary ciliary dyskinesia. Also called: Ciliary dyskinesia. Identifiers: Orphanet 244, MedGen C0008780, MONDO:0016575, HP:0012265.

Allele frequency attached by ClinVar (database versions not stated): gnomAD exomes below 0.00001 and 0.00001; gnomAD 0.00001; TOPMed 0.00001.

Submission:

Labcorp Genetics (formerly Invitae), Labcorp
Classification: Uncertain significance for Primary ciliary dyskinesia. Last evaluated: 2018-09-04. Review status: criteria provided, single submitter. Criteria: Invitae Variant Classification Sherloc (09022015). Collection method: clinical testing. Allele origin: germline.
Comment: Algorithms developed to predict the effect of missense changes on protein structure and function (SIFT, PolyPhen-2, Align-GVGD) all suggest that this variant is likely to be tolerated, but these predictions have not been confirmed by published functional studies and their clinical significance is uncertain. This variant has not been reported in the literature in individuals with ZMYND10-related disease. This variant is not present in population databases (ExAC no frequency). This sequence change replaces alanine with valine at codon 184 of the ZMYND10 protein (p.Ala184Val). The alanine residue is weakly conserved and there is a small physicochemical difference between alanine and valine. In summary, the available evidence is currently insufficient to determine the role of this variant in disease. Therefore, it has been classified as a Variant of Uncertain Significance.